The following is an entry in ClinVar:

NM_000860.6(HPGD):c.520_523dup (p.Gly175fs)

Gene: HPGD (15-hydroxyprostaglandin dehydrogenase; minus strand). Cytogenetic location: 4q34.1.
Variant type: Duplication.
Coding change: c.520_523dup on transcript NM_000860.6 (MANE Select); coding-DNA positions 520 to 523, 4 bases duplicated (AGTG; older notation c.520_523dupAGTG).
Protein change: p.Gly175fs; shifts the reading frame from glycine 175.
Molecular consequence: frameshift variant. On other transcripts: intron variant (2).
Genome position (GRCh38, 1-based): chr4:174,493,290-174,493,293, CACT duplicated on the plus strand (AGTG on the coding strand, the reverse complement: HPGD is on the minus strand). VCF-style (leftmost placement, unchanged base first): chr4-174493289-C-CCACT. GRCh37 (hg19) VCF-style: chr4-175414440-C-CCACT.
Other names: c.422-1199_422-1196dup (NM_001256305.2); c.499-1199_499-1196dup (NM_001145816.3); c.157_160dup, p.Gly54fs (NM_001256301.1, NM_001256307.2); c.316_319dup, p.Gly107fs (NM_001256306.2); short protein forms G54fs, G175fs, G107fs.
Identifiers: ClinVar variation 3692279 (VCV003692279.2).

ClinVar aggregate classification (germline): Pathogenic (1 of 4 stars; one submission).

Submission:

Labcorp Genetics (formerly Invitae), Labcorp
Classification: Pathogenic. Last evaluated: 2024-10-17. Review status: criteria provided, single submitter. Criteria: Invitae Variant Classification Sherloc (09022015). Collection method: clinical testing. Allele origin: germline.
Comment: This sequence change creates a premature translational stop signal (p.Gly175Glufs*14) in the HPGD gene. It is expected to result in an absent or disrupted protein product. Loss-of-function variants in HPGD are known to be pathogenic (PMID: 18500342, 19568269, 24533558, 24816859). This variant is not present in population databases (gnomAD no frequency). This variant has not been reported in the literature in individuals affected with HPGD-related conditions. Algorithms developed to predict the effect of sequence changes on RNA splicing suggest that this variant may disrupt the consensus splice site. For these reasons, this variant has been classified as Pathogenic.

Literature cited by the submitters: PubMed 18500342; PubMed 19568269; PubMed 24533558; PubMed 24816859.